The following is an entry in ClinVar:

NM_001278716.2(FBXL4):c.332C>T (p.Ser111Phe)

Gene: FBXL4 (F-box and leucine rich repeat protein 4; minus strand). Cytogenetic location: 6q16.2.
Variant type: single nucleotide variant.
Coding change: c.332C>T on transcript NM_001278716.2 (MANE Select); coding-DNA position 332, C replaced by T.
Protein change: p.Ser111Phe; replaces serine 111 with phenylalanine.
Molecular consequence: missense variant. On other transcripts: non-coding transcript variant (2).
Genome position (GRCh38, 1-based): chr6:98,926,657, G>A on the plus strand (C>T on the coding strand, the complement: FBXL4 is on the minus strand). VCF-style: chr6-98926657-G-A. GRCh37 (hg19) VCF-style: chr6-99374533-G-A.
Other names: c.332C>T, p.Ser111Phe (NM_012160.5); c.332C>T (NM_012160.3); short protein forms S111F.
Identifiers: ClinVar variation 437561 (VCV000437561.2), dbSNP rs368243492, ClinGen allele CA3933707.

ClinVar aggregate classification (germline): Uncertain significance. Review status: criteria provided, multiple submitters, no conflicts (2 of 4 stars). 2 submissions from 2 submitters: Uncertain significance (2). Last evaluated 2022-12-14.

Conditions:
Mitochondrial DNA depletion syndrome 13. Also called: FBXL4-Related Encephalomyopathic Mitochondrial DNA Depletion Syndrome; Mitochondrial DNA depletion syndrome 13 (encephalomyopathic type). Identifiers: Orphanet 369897, MedGen C3809592, MONDO:0014198, OMIM 615471.

Allele frequency attached by ClinVar (database versions not stated): gnomAD 0.00001; ExAC 0.00002; TOPMed 0.00002; ESP Exome Variant Server 0.00008.
gnomAD v4.1: 4 of 1,614,040 alleles (0.00025%); highest among the groups gnomAD compares: African/African-American, 0.0027%; no homozygotes.

Submissions (2):

GeneDx
Classification: Uncertain significance. Last evaluated: 2022-12-14. Review status: criteria provided, single submitter. Criteria: GeneDx Variant Classification Process June 2021. Collection method: clinical testing. Allele origin: germline. Affected: yes.
Comment: In silico analysis supports that this missense variant has a deleterious effect on protein structure/function; Has not been previously published as pathogenic or benign to our knowledge

Wong Mito Lab, Molecular and Human Genetics, Baylor College of Medicine
Classification: Uncertain significance for Mitochondrial DNA depletion syndrome 13. Last evaluated: 2017-08-10. Review status: criteria provided, single submitter. Criteria: ACMG Guidelines, 2015. Collection method: reference population. Allele origin: germline.
Comment: The NM_012160.4:c.332C>T (NP_036292.2:p.Ser111Phe) [GRCH38: NC_000006.12:g.98926657G>A] variant in FBXL4 gene is interpretated to be a Uncertain Significance - Conflicting Evidence based on ACMG guidelines (PMID: 25741868). This variant meets one or more of the following evidence codes reported in the ACMG-guideline. PM2:This variant is absent in key population databases. BP4:Computational evidence/predictors indicate no impact on the FBXL4 structure, function, or protein-protein interaction. Based on this evidence code ClinGen Pathogenicity Calculator (PMID:28081714) suggested that the variant is Uncertain Significance - Conflicting Evidence.